The following is an entry in ClinVar:

NM_001130009.3(GEN1):c.2008C>A (p.Gln670Lys)

Gene: GEN1 (GEN1 structure-specific endonuclease; plus strand). Cytogenetic location: 2p24.2.
Variant type: single nucleotide variant.
Coding change: c.2008C>A on transcript NM_001130009.3 (MANE Select); coding-DNA position 2008, C replaced by A.
Protein change: p.Gln670Lys; replaces glutamine 670 with lysine.
Molecular consequence: missense variant.
Genome position (GRCh38, 1-based): chr2:17,781,220, C>A. VCF-style: chr2-17781220-C-A. GRCh37 (hg19) VCF-style: chr2-17962487-C-A.
Other names: c.2008C>A (NM_001130009.1); c.2008C>A, p.Gln670Lys (NM_182625.5); short protein forms Q670K.
Identifiers: ClinVar variation 1920710 (VCV001920710.6), dbSNP rs2545629791, ClinGen allele CA345927107.

ClinVar aggregate classification (germline): Uncertain significance. Review status: criteria provided, multiple submitters, no conflicts (2 of 4 stars). 2 submissions from 2 submitters: Uncertain significance (2). Last evaluated 2026-05-16.

Allele frequency attached by ClinVar (database versions not stated): gnomAD exomes below 0.00001.
gnomAD v4.1: 3 of 1,613,480 alleles (0.00019%); highest among the groups gnomAD compares: Non-Finnish European, 0.00025%; no homozygotes.

Submissions (2):

Ambry Genetics
Classification: Uncertain significance. Last evaluated: 2026-05-16. Review status: criteria provided, single submitter. Criteria: Ambry Variant Classification Scheme 2023. Collection method: clinical testing. Allele origin: germline.
Comment: The p.Q670K variant (also known as c.2008C>A), located in coding exon 13 of the GEN1 gene, results from a C to A substitution at nucleotide position 2008. The glutamine at codon 670 is replaced by lysine, an amino acid with similar properties. This amino acid position is conserved. In addition, this alteration is predicted to be tolerated by in silico analysis. Based on the available evidence, the clinical significance of this variant remains unclear.

Labcorp Genetics (formerly Invitae), Labcorp
Classification: Uncertain significance. Last evaluated: 2022-04-18. Review status: criteria provided, single submitter. Criteria: Invitae Variant Classification Sherloc (09022015). Collection method: clinical testing. Allele origin: germline.
Comment: In summary, the available evidence is currently insufficient to determine the role of this variant in disease. Therefore, it has been classified as a Variant of Uncertain Significance. Algorithms developed to predict the effect of missense changes on protein structure and function (SIFT, PolyPhen-2, Align-GVGD) all suggest that this variant is likely to be tolerated. This variant has not been reported in the literature in individuals affected with GEN1-related conditions. This variant is not present in population databases (gnomAD no frequency). This sequence change replaces glutamine, which is neutral and polar, with lysine, which is basic and polar, at codon 670 of the GEN1 protein (p.Gln670Lys).